The following is an entry in ClinVar:

ClinVar aggregate classification (germline): Uncertain significance. Review status: criteria provided, multiple submitters, no conflicts (2 of 4 stars). 2 submissions from 2 submitters: Uncertain significance (2). Last evaluated 2025-10-08.

Conditions:
Hereditary cancer-predisposing syndrome. Also called: Hereditary Cancer Syndrome; Hereditary neoplastic syndrome; Neoplastic Syndromes, Hereditary; Tumor predisposition. Identifiers: Orphanet 140162, MedGen C0027672, MeSH D009386, MONDO:0015356.

Allele frequency attached by ClinVar (database versions not stated): gnomAD exomes below 0.00001; TOPMed below 0.00001; gnomAD 0.00001.
gnomAD v4.1: 6 of 1,614,094 alleles (0.00037%); highest among the groups gnomAD compares: African/African-American, 0.008%; no homozygotes.

Submissions (2):

Ambry Genetics
Classification: Uncertain significance for Hereditary cancer-predisposing syndrome. Last evaluated: 2025-10-08. Review status: criteria provided, single submitter. Criteria: Ambry Variant Classification Scheme 2023. Collection method: clinical testing. Allele origin: germline.
Comment: The p.V502L variant (also known as c.1504G>C), located in coding exon 10 of the CTNNA1 gene, results from a G to C substitution at nucleotide position 1504. The valine at codon 502 is replaced by leucine, an amino acid with highly similar properties. In one study, this alteration was identified in 1/151,425 individuals who underwent multi-gene germline genetic testing and classified as a variant of uncertain significance by the authors (Clark DF et al. Genet Med, 2020 May;22:840-846). This amino acid position is highly conserved in available vertebrate species. In addition, the in silico prediction for this alteration is inconclusive. Based on the available evidence, the clinical significance of this variant remains unclear.

Labcorp Genetics (formerly Invitae), Labcorp
Classification: Uncertain significance. Last evaluated: 2022-01-26. Review status: criteria provided, single submitter. Criteria: Invitae Variant Classification Sherloc (09022015). Collection method: clinical testing. Allele origin: germline.
Comment: Algorithms developed to predict the effect of missense changes on protein structure and function are either unavailable or do not agree on the potential impact of this missense change (SIFT: "Deleterious"; PolyPhen-2: "Benign"; Align-GVGD: "Class C0"). ClinVar contains an entry for this variant (Variation ID: 409002). This variant has not been reported in the literature in individuals affected with CTNNA1-related conditions. This variant is not present in population databases (gnomAD no frequency). This sequence change replaces valine, which is neutral and non-polar, with leucine, which is neutral and non-polar, at codon 502 of the CTNNA1 protein (p.Val502Leu). In summary, the available evidence is currently insufficient to determine the role of this variant in disease. Therefore, it has been classified as a Variant of Uncertain Significance.

Literature cited by the submitters: PubMed 32051609 (cited by Ambry Genetics).

NM_001903.5(CTNNA1):c.1504G>C (p.Val502Leu)

Gene: CTNNA1 (catenin alpha 1; plus strand). Cytogenetic location: 5q31.2.
Variant type: single nucleotide variant.
Coding change: c.1504G>C on transcript NM_001903.5 (MANE Select); coding-DNA position 1504, G replaced by C.
Protein change: p.Val502Leu; replaces valine 502 with leucine.
Molecular consequence: missense variant.
Genome position (GRCh38, 1-based): chr5:138,917,856, G>C. VCF-style: chr5-138917856-G-C. GRCh37 (hg19) VCF-style: chr5-138253545-G-C.
Other names: c.1504G>C, p.Val502Leu (NM_001290307.3, NM_001323982.2, NM_001323983.1 and 2 more transcripts); c.1195G>C, p.Val399Leu (NM_001290309.3); c.1135G>C, p.Val379Leu (NM_001290310.3); c.394G>C, p.Val132Leu (NM_001290312.1, NM_001323987.1, NM_001323988.1 and 17 more transcripts); c.1411G>C, p.Val471Leu (NM_001323986.2); c.55G>C, p.Val19Leu (NM_001324006.1, NM_001324007.1, NM_001324008.1 and 2 more transcripts); c.301G>C, p.Val101Leu (NM_001324011.1); c.151G>C, p.Val51Leu (NM_001324012.1, NM_001324013.1); short protein forms V502L, V101L, V19L, V399L, V471L, V51L, V132L, V379L.
Identifiers: ClinVar variation 409002 (VCV000409002.13), dbSNP rs1060502219, ClinGen allele CA16611821.